The following is an entry in ClinVar:

ClinVar aggregate classification (germline): Uncertain significance (1 of 4 stars; one submission).

Submission:

Labcorp Genetics (formerly Invitae), Labcorp
Classification: Uncertain significance. Last evaluated: 2021-08-19. Review status: criteria provided, single submitter. Criteria: Invitae Variant Classification Sherloc (09022015). Collection method: clinical testing. Allele origin: germline.
Comment: This variant has not been reported in the literature in individuals affected with COL11A1-related conditions. This variant is not present in population databases (ExAC no frequency). This sequence change replaces threonine with lysine at codon 58 of the COL11A1 protein (p.Thr58Lys). The threonine residue is moderately conserved and there is a moderate physicochemical difference between threonine and lysine. Advanced modeling of protein sequence and biophysical properties (such as structural, functional, and spatial information, amino acid conservation, physicochemical variation, residue mobility, and thermodynamic stability) performed at Invitae indicates that this missense variant is not expected to disrupt COL11A1 protein function. In summary, the available evidence is currently insufficient to determine the role of this variant in disease. Therefore, it has been classified as a Variant of Uncertain Significance.

NM_001854.4(COL11A1):c.173C>A (p.Thr58Lys)

Gene: COL11A1 (collagen type XI alpha 1 chain; minus strand). Cytogenetic location: 1p21.1.
Variant type: single nucleotide variant.
Coding change: c.173C>A on transcript NM_001854.4 (MANE Select); coding-DNA position 173, C replaced by A.
Protein change: p.Thr58Lys; replaces threonine 58 with lysine.
Molecular consequence: missense variant. On other transcripts: non-coding transcript variant (1).
Genome position (GRCh38, 1-based): chr1:103,082,906, G>T on the plus strand (C>A on the coding strand, the complement: COL11A1 is on the minus strand). VCF-style: chr1-103082906-G-T. GRCh37 (hg19) VCF-style: chr1-103548462-G-T.
Other names: c.173C>A, p.Thr58Lys (NM_001190709.2, NM_080629.3, NM_080630.4); short protein forms T58K.
Identifiers: ClinVar variation 1499813 (VCV001499813.6), dbSNP rs770162224, ClinGen allele CA341168748.